The following is an entry in ClinVar:

ClinVar aggregate classification (germline): Uncertain significance (1 of 4 stars; one submission).

Conditions:
Encephalopathy, acute, infection-induced (herpes-specific), susceptibility to, 6. Also called: Herpes simplex encephalitis, susceptibility to, 4. Identifiers: Orphanet 1930, MedGen C3553869, MONDO:0013921, OMIM 614850.

Allele frequency attached by ClinVar (database versions not stated): ExAC 0.00001; gnomAD 0.00001.
gnomAD v4.1: 3 of 1,613,714 alleles (0.00019%); highest among the groups gnomAD compares: Non-Finnish European, 0.00017%; no homozygotes.

Submission:

Labcorp Genetics (formerly Invitae), Labcorp
Classification: Uncertain significance for Encephalopathy, acute, infection-induced (herpes-specific), susceptibility to, 6. Last evaluated: 2022-03-22. Review status: criteria provided, single submitter. Criteria: Invitae Variant Classification Sherloc (09022015). Collection method: clinical testing. Allele origin: germline.
Comment: In summary, the available evidence is currently insufficient to determine the role of this variant in disease. Therefore, it has been classified as a Variant of Uncertain Significance. Algorithms developed to predict the effect of missense changes on protein structure and function output the following: SIFT: "Tolerated"; PolyPhen-2: "Benign"; Align-GVGD: "Class C0". The serine amino acid residue is found in multiple mammalian species, which suggests that this missense change does not adversely affect protein function. This variant has not been reported in the literature in individuals affected with TICAM1-related conditions. This variant is present in population databases (rs769060173, gnomAD 0.01%). This sequence change replaces asparagine, which is neutral and polar, with serine, which is neutral and polar, at codon 459 of the TICAM1 protein (p.Asn459Ser).

NM_182919.4(TICAM1):c.1376A>G (p.Asn459Ser)

Gene: TICAM1 (TIR domain containing adaptor molecule 1; minus strand). Cytogenetic location: 19p13.3.
Variant type: single nucleotide variant.
Coding change: c.1376A>G on transcript NM_182919.4 (MANE Select); coding-DNA position 1376, A replaced by G.
Protein change: p.Asn459Ser; replaces asparagine 459 with serine.
Molecular consequence: missense variant.
Genome position (GRCh38, 1-based): chr19:4,817,002, T>C on the plus strand (A>G on the coding strand, the complement: TICAM1 is on the minus strand). VCF-style: chr19-4817002-T-C. GRCh37 (hg19) VCF-style: chr19-4817014-T-C.
Other names: c.1334A>G, p.Asn445Ser (NM_001385678.1); c.1241A>G, p.Asn414Ser (NM_001385679.1); c.734A>G, p.Asn245Ser (NM_001385680.1); short protein forms N459S, N245S, N414S, N445S.
Identifiers: ClinVar variation 2115717 (VCV002115717.3), dbSNP rs769060173, ClinGen allele CA9105148.